The following is an entry in ClinVar:

NM_001164508.2(NEB):c.24487-6_24491del

Genes: NEB (nebulin; minus strand), RIF1 (replication timing regulatory factor 1; plus strand). Cytogenetic location: 2q23.3.
Variant type: Deletion.
Coding change: c.24487-6_24491del on transcript NM_001164508.2 (MANE Select); 6 bases into the intron before coding-DNA position 24487 through coding-DNA position 24491, 11 bases deleted (CCATAGGTTTT).
Molecular consequence: splice acceptor variant.
Genome position (GRCh38, 1-based): chr2:151,494,249-151,494,259, AAAACCTATGG deleted on the plus strand (CCATAGGTTTT on the coding strand, the reverse complement: NEB is on the minus strand). VCF-style (leftmost placement, unchanged base first): chr2-151494248-CAAAACCTATGG-C. GRCh37 (hg19) VCF-style: chr2-152350762-CAAAACCTATGG-C.
Other names: c.18919-6_18923del (NM_004543.5); c.24487-6_24491del (NM_001164507.2); c.24592-6_24596del (NM_001271208.2).
Identifiers: ClinVar variation 2724187 (VCV002724187.3), dbSNP rs2551741253, ClinGen allele CA2697551075.

ClinVar aggregate classification (germline): Likely pathogenic (1 of 4 stars; one submission).

Conditions:
Nemaline myopathy 2 (NEM2). Also called: Nemaline myopathy 2, autosomal recessive. Identifiers: MedGen C1850569, MONDO:0009725, OMIM 256030.

Submission:

Labcorp Genetics (formerly Invitae), Labcorp
Classification: Likely pathogenic for Nemaline myopathy 2. Last evaluated: 2024-01-11. Review status: criteria provided, single submitter. Criteria: Invitae Variant Classification Sherloc (09022015). Collection method: clinical testing. Allele origin: germline.
Comment: This variant results in the deletion of part of exon 175 (c.24592-6_24596del) of the NEB gene. It is expected to disrupt RNA splicing. Variants that disrupt the donor or acceptor splice site typically lead to a loss of protein function (PMID: 16199547), and loss-of-function variants in NEB are known to be pathogenic (PMID: 25205138). This variant is not present in population databases (gnomAD no frequency). This variant has not been reported in the literature in individuals affected with NEB-related conditions. In summary, the currently available evidence indicates that the variant is pathogenic, but additional data are needed to prove that conclusively. Therefore, this variant has been classified as Likely Pathogenic.

Literature cited by the submitters: PubMed 16199547; PubMed 25205138.